The following is an entry in ClinVar:

NM_015338.6(ASXL1):c.2616C>T (p.Cys872=)

Gene: ASXL1 (ASXL transcriptional regulator 1; plus strand). Cytogenetic location: 20q11.21.
Variant type: single nucleotide variant.
Coding change: c.2616C>T on transcript NM_015338.6 (MANE Select); coding-DNA position 2616, C replaced by T.
Protein change: p.Cys872=; no amino-acid change (cysteine 872 retained).
Molecular consequence: synonymous variant.
Genome position (GRCh38, 1-based): chr20:32,435,328, C>T. VCF-style: chr20-32435328-C-T. GRCh37 (hg19) VCF-style: chr20-31023131-C-T.
Other names: c.2433C>T, p.Cys811= (NM_001363734.1).
Identifiers: ClinVar variation 2574761 (VCV002574761.5), dbSNP rs779837740, ClinGen allele CA9808666.

ClinVar aggregate classification (germline): Conflicting classifications of pathogenicity. Review status: criteria provided, conflicting classifications (1 of 4 stars). 3 submissions from 3 submitters: Uncertain significance (1); Likely benign (2). Last evaluated 2025-02-13.

Conditions:
Inborn genetic diseases. Identifiers: MedGen C0950123, MeSH D030342.

Allele frequency attached by ClinVar (database versions not stated): TOPMed 0.00001.
gnomAD v4.1: 5 of 1,614,152 alleles (0.00031%); highest among the groups gnomAD compares: Admixed American, 0.0067%; no homozygotes.

Submissions (3):

Ambry Genetics
Classification: Likely benign for Inborn genetic diseases. Last evaluated: 2025-02-13. Review status: criteria provided, single submitter. Criteria: Ambry Variant Classification Scheme 2023. Collection method: clinical testing. Allele origin: germline.

Labcorp Genetics (formerly Invitae), Labcorp
Classification: Likely benign. Last evaluated: 2024-03-18. Review status: criteria provided, single submitter. Criteria: Invitae Variant Classification Sherloc (09022015). Collection method: clinical testing. Allele origin: germline.

GeneDx
Classification: Uncertain significance. Last evaluated: 2023-02-07. Review status: criteria provided, single submitter. Criteria: GeneDx Variant Classification Process June 2021. Collection method: clinical testing. Allele origin: germline. Affected: yes.
Comment: In silico analysis supports that this variant does not alter splicing; Has not been previously published as pathogenic or benign to our knowledge